The following is an entry in ClinVar:

NM_004036.5(ADCY3):c.826-7dup

Gene: ADCY3 (adenylate cyclase 3; minus strand). Cytogenetic location: 2p23.3.
Variant type: Duplication.
Coding change: c.826-7dup on transcript NM_004036.5 (MANE Select); 7 bases into the intron before coding-DNA position 826, one base duplicated (C; older notation c.826-7dupC).
Molecular consequence: intron variant.
Genome position (GRCh38, 1-based): chr2:24,842,391, G duplicated on the plus strand (C on the coding strand, the reverse complement: ADCY3 is on the minus strand); the first of 4 consecutive G bases (chr2:24,842,391-24,842,394); duplicating any one gives the same sequence. VCF-style (leftmost placement, unchanged base first): chr2-24842390-A-AG. GRCh37 (hg19) VCF-style: chr2-25065259-A-AG.
Other names: c.826-7dup (NM_001377130.1, NM_001377129.1, NM_001320613.2 and 2 more transcripts); c.103-7dup (NM_001377131.1).
Identifiers: ClinVar variation 3358353 (VCV003358353.1).

ClinVar aggregate classification (germline): Likely benign (0 of 4 stars; one submission).

Conditions:
ADCY3-related disorder. Also called: ADCY3-related condition.

Submission:

PreventionGenetics, part of Exact Sciences
Classification: Likely benign for ADCY3-related condition. Last evaluated: 2020-11-16. Review status: no assertion criteria provided. Collection method: clinical testing. Allele origin: germline.
Comment: This variant is classified as likely benign based on ACMG/AMP sequence variant interpretation guidelines (Richards et al. 2015 PMID: 25741868, with internal and published modifications).